The following is an entry in ClinVar:

ClinVar aggregate classification (germline): Benign (1 of 4 stars; one submission).

Conditions:
Leigh syndrome (NULS). Also called: Leigh's necrotizing encephalopathy; Leigh's disease; Leigh Syndrome (mtDNA deletion); Leigh Disease; Subacute necrotizing encephalopathy; Necrotizing encephalopathy infantile subacute of Leigh. Identifiers: Orphanet 506, MedGen C2931891, MONDO:0009723, OMIM 256000.

Submission:

Wong Mito Lab, Molecular and Human Genetics, Baylor College of Medicine
Classification: Benign for Leigh syndrome. Last evaluated: 2019-10-17. Review status: criteria provided, single submitter. Criteria: Modified ACMG Guidelines (Unpublished). Collection method: clinical testing. Allele origin: germline.
Comment: The NC_012920.1:m.8237A>G (YP_003024029.1:p.Ile218Val) variant in MTCO2 gene is interpretated to be a Benign variant based on the modified ACMG guidelines (unpublished). This variant meets the following evidence codes: BS1, BS4, BP4

NC_012920.1(MT-CO2):m.8237A>G

Gene: MT-CO2 (mitochondrially encoded cytochrome c oxidase II; plus strand).
Variant type: single nucleotide variant.
Genome position: chrM-8237-A-G.
Identifiers: ClinVar variation 692827 (VCV000692827.1), dbSNP rs1603221342, ClinGen allele CA414795629.